The following is an entry in ClinVar:

NM_001385641.1(SAMD11):c.2030C>T (p.Ala677Val)

Gene: SAMD11 (sterile alpha motif domain containing 11; plus strand). Cytogenetic location: 1p36.33.
Variant type: single nucleotide variant.
Coding change: c.2030C>T on transcript NM_001385641.1 (MANE Select); coding-DNA position 2030, C replaced by T.
Protein change: p.Ala677Val; replaces alanine 677 with valine.
Molecular consequence: missense variant.
Genome position (GRCh38, 1-based): chr1:943,035, C>T. VCF-style: chr1-943035-C-T. GRCh37 (hg19) VCF-style: chr1-878415-C-T.
Other names: c.1541C>T (NM_152486.2); c.2033C>T, p.Ala678Val (NM_001385640.1); c.1541C>T, p.Ala514Val (NM_152486.4); short protein forms A514V, A678V, A677V.
Identifiers: ClinVar variation 1399461 (VCV001399461.7), dbSNP rs748435147, ClinGen allele CA503063.

ClinVar aggregate classification (germline): Uncertain significance. Review status: criteria provided, multiple submitters, no conflicts (2 of 4 stars). 2 submissions from 2 submitters: Uncertain significance (2). Last evaluated 2023-06-06.

Allele frequency attached by ClinVar (database versions not stated): TOPMed 0.00005; gnomAD 0.00009 and 0.00011.
gnomAD v4.1: 117 of 1,530,462 alleles (0.0076%); highest among the groups gnomAD compares: Admixed American, 0.01%; no homozygotes.

Submissions (2):

Ambry Genetics
Classification: Uncertain significance. Last evaluated: 2023-06-06. Review status: criteria provided, single submitter. Criteria: Ambry Variant Classification Scheme 2023. Collection method: clinical testing. Allele origin: germline.

Labcorp Genetics (formerly Invitae), Labcorp
Classification: Uncertain significance. Last evaluated: 2022-05-05. Review status: criteria provided, single submitter. Criteria: Invitae Variant Classification Sherloc (09022015). Collection method: clinical testing. Allele origin: germline.
Comment: This variant is present in population databases (rs748435147, gnomAD 0.02%). This sequence change replaces alanine, which is neutral and non-polar, with valine, which is neutral and non-polar, at codon 514 of the SAMD11 protein (p.Ala514Val). This variant has not been reported in the literature in individuals affected with SAMD11-related conditions. In summary, the available evidence is currently insufficient to determine the role of this variant in disease. Therefore, it has been classified as a Variant of Uncertain Significance. Algorithms developed to predict the effect of missense changes on protein structure and function (SIFT, PolyPhen-2, Align-GVGD) all suggest that this variant is likely to be tolerated.